The following is an entry in ClinVar:

ClinVar aggregate classification (germline): Uncertain significance (1 of 4 stars; one submission).

Allele frequency attached by ClinVar (database versions not stated): gnomAD exomes below 0.00001 and 0.00001.
gnomAD v4.1: 5 of 1,613,106 alleles (0.00031%); highest among the groups gnomAD compares: African/African-American, 0.0027%; no homozygotes.

Submission:

Labcorp Genetics (formerly Invitae), Labcorp
Classification: Uncertain significance. Last evaluated: 2021-08-28. Review status: criteria provided, single submitter. Criteria: Invitae Variant Classification Sherloc (09022015). Collection method: clinical testing. Allele origin: germline.
Comment: This sequence change replaces threonine with isoleucine at codon 53 of the CAD protein (p.Thr53Ile). The threonine residue is moderately conserved and there is a moderate physicochemical difference between threonine and isoleucine. This variant is not present in population databases (ExAC no frequency). This variant has not been reported in the literature in individuals affected with CAD-related conditions. Algorithms developed to predict the effect of missense changes on protein structure and function are either unavailable or do not agree on the potential impact of this missense change (SIFT: "Deleterious"; PolyPhen-2: "Probably Damaging"; Align-GVGD: "Class C0"). In summary, the available evidence is currently insufficient to determine the role of this variant in disease. Therefore, it has been classified as a Variant of Uncertain Significance.

NM_004341.5(CAD):c.158C>T (p.Thr53Ile)

Gene: CAD (carbamoyl-phosphate synthetase 2, aspartate transcarbamylase, and dihydroorotase; plus strand). Cytogenetic location: 2p23.3.
Variant type: single nucleotide variant.
Coding change: c.158C>T on transcript NM_004341.5 (MANE Select); coding-DNA position 158, C replaced by T.
Protein change: p.Thr53Ile; replaces threonine 53 with isoleucine.
Molecular consequence: missense variant.
Genome position (GRCh38, 1-based): chr2:27,217,952, C>T. VCF-style: chr2-27217952-C-T. GRCh37 (hg19) VCF-style: chr2-27440820-C-T.
Other names: c.158C>T, p.Thr53Ile (NM_001306079.2); short protein forms T53I.
Identifiers: ClinVar variation 1352935 (VCV001352935.5), dbSNP rs1296331323, ClinGen allele CA346196244.